The following is an entry in ClinVar:

NM_006648.4(WNK2):c.4758G>C (p.Glu1586Asp)

Gene: WNK2 (WNK lysine deficient protein kinase 2; plus strand). Cytogenetic location: 9q22.31.
Variant type: single nucleotide variant.
Coding change: c.4758G>C on transcript NM_006648.4 (MANE Select); coding-DNA position 4758, G replaced by C.
Protein change: p.Glu1586Asp; replaces glutamic acid 1586 with aspartic acid.
Molecular consequence: missense variant.
Genome position (GRCh38, 1-based): chr9:93,289,512, G>C. VCF-style: chr9-93289512-G-C. GRCh37 (hg19) VCF-style: chr9-96051794-G-C.
Other names: c.4869G>C, p.Glu1623Asp (NM_001282394.3); short protein forms E1623D, E1586D.
Identifiers: ClinVar variation 3981974 (VCV003981974.1).

ClinVar aggregate classification (germline): Uncertain significance (1 of 4 stars; one submission).

gnomAD v4.1: 3 of 1,604,638 alleles (0.00019%); highest among the groups gnomAD compares: South Asian, 0.0011%; no homozygotes.

Submission:

Ambry Genetics
Classification: Uncertain significance. Last evaluated: 2025-05-02. Review status: criteria provided, single submitter. Criteria: Ambry Variant Classification Scheme 2023. Collection method: clinical testing. Allele origin: germline.
Comment: The p.E1586D variant (also known as c.4758G>C), located in coding exon 19 of the WNK2 gene, results from a G to C substitution at nucleotide position 4758. The glutamic acid at codon 1586 is replaced by aspartic acid, an amino acid with highly similar properties. This amino acid position is conserved. In addition, this alteration is predicted to be tolerated by in silico analysis. Based on the available evidence, the clinical significance of this variant remains unclear.